The following is an entry in ClinVar:

NM_000059.4(BRCA2):c.5131G>T (p.Val1711Leu)

Gene: BRCA2 (BRCA2 DNA repair associated; plus strand). Cytogenetic location: 13q13.1.
Variant type: single nucleotide variant.
Coding change: c.5131G>T on transcript NM_000059.4 (MANE Select); coding-DNA position 5131, G replaced by T.
Protein change: p.Val1711Leu; replaces valine 1711 with leucine.
Molecular consequence: missense variant.
Genome position (GRCh38, 1-based): chr13:32,339,486, G>T. VCF-style: chr13-32339486-G-T. GRCh37 (hg19) VCF-style: chr13-32913623-G-T.
Other names: short protein forms V1711L.
Identifiers: ClinVar variation 573751 (VCV000573751.13), dbSNP rs587782067, ClinGen allele CA387784177.

ClinVar aggregate classification (germline): Conflicting classifications of pathogenicity. Review status: criteria provided, conflicting classifications (1 of 4 stars). 3 submissions from 3 submitters: Uncertain significance (2); Likely benign (1). Last evaluated 2025-05-27.

Conditions:
Hereditary breast ovarian cancer syndrome. Also called: BRCA1- and BRCA2-Associated Hereditary Breast and Ovarian Cancer; Hereditary breast and ovarian cancer; Hereditary breast and/or ovarian cancer syndrome; Hereditary breast and ovarian cancer syndrome; Hereditary breast and ovarian cancer syndrome (HBOC); Breast and ovarian cancer. Identifiers: Orphanet 145, MedGen C0677776, MeSH D061325, MONDO:0003582. Disease mechanism: loss of function.
Hereditary cancer-predisposing syndrome. Also called: Neoplastic Syndromes, Hereditary; Hereditary Cancer Syndrome; Tumor predisposition; Hereditary neoplastic syndrome. Identifiers: Orphanet 140162, MedGen C0027672, MeSH D009386, MONDO:0015356.

Submissions (3):

Labcorp Genetics (formerly Invitae), Labcorp
Classification: Uncertain significance for Hereditary breast ovarian cancer syndrome. Last evaluated: 2025-05-27. Review status: criteria provided, single submitter. Criteria: Invitae Variant Classification Sherloc (09022015). Collection method: clinical testing. Allele origin: germline.
Comment: This sequence change replaces valine, which is neutral and non-polar, with leucine, which is neutral and non-polar, at codon 1711 of the BRCA2 protein (p.Val1711Leu). This variant is not present in population databases (gnomAD no frequency). This variant has not been reported in the literature in individuals affected with BRCA2-related conditions. ClinVar contains an entry for this variant (Variation ID: 573751). Invitae Evidence Modeling of protein sequence and biophysical properties (such as structural, functional, and spatial information, amino acid conservation, physicochemical variation, residue mobility, and thermodynamic stability) indicates that this missense variant is not expected to disrupt BRCA2 protein function with a negative predictive value of 95%. In summary, the available evidence is currently insufficient to determine the role of this variant in disease. Therefore, it has been classified as a Variant of Uncertain Significance.

Ambry Genetics
Classification: Uncertain significance for Hereditary cancer-predisposing syndrome. Last evaluated: 2023-06-06. Review status: criteria provided, single submitter. Criteria: Ambry Variant Classification Scheme 2023. Collection method: clinical testing. Allele origin: germline.
Comment: The p.V1711L variant (also known as c.5131G>T), located in coding exon 10 of the BRCA2 gene, results from a G to T substitution at nucleotide position 5131. The valine at codon 1711 is replaced by leucine, an amino acid with highly similar properties. This amino acid position is not well conserved in available vertebrate species. In addition, this alteration is predicted to be tolerated by in silico analysis. Since supporting evidence is limited at this time, the clinical significance of this alteration remains unclear.

University of Washington Department of Laboratory Medicine, University of Washington
Classification: Likely benign for Hereditary cancer-predisposing syndrome. Last evaluated: 2023-03-23. Review status: criteria provided, single submitter. Criteria: Dines et al. (Genet Med. 2020). Collection method: curation. Allele origin: germline.
Comment: Missense variant in a coldspot region where missense variants are very unlikely to be pathogenic (PMID:31911673).

BRCA2 exon 11 coldspot. Reclassification based on statistical prior probability.